The following is an entry in ClinVar:

NM_001378609.3(OTOGL):c.3935A>C (p.His1312Pro)

Gene: OTOGL (otogelin like; plus strand). Cytogenetic location: 12q21.31.
Variant type: single nucleotide variant.
Coding change: c.3935A>C on transcript NM_001378609.3 (MANE Select); coding-DNA position 3935, A replaced by C.
Protein change: p.His1312Pro; replaces histidine 1312 with proline.
Molecular consequence: missense variant.
Genome position (GRCh38, 1-based): chr12:80,320,554, A>C. VCF-style: chr12-80320554-A-C. GRCh37 (hg19) VCF-style: chr12-80714334-A-C.
Other names: c.3800A>C, p.His1267Pro (NM_001368062.3); c.3935A>C, p.His1312Pro (NM_001378610.3, NM_173591.7); short protein forms H1303P, H1267P, H1312P.
Identifiers: ClinVar variation 506166 (VCV000506166.5), dbSNP rs768575822, ClinGen allele CA385869965.

ClinVar aggregate classification (germline): Uncertain significance (1 of 4 stars; one submission).

Submission:

Laboratory for Molecular Medicine, Mass General Brigham Personalized Medicine
Classification: Uncertain significance. Last evaluated: 2017-10-05. Review status: criteria provided, single submitter. Criteria: LMM Criteria. Collection method: clinical testing. Allele origin: germline. Observed: 1 variant allele.
Comment: The p.His1303Pro variant in OTOGL has not been previously reported in individual s with hearing loss or in large population studies. Computational prediction too ls and conservation analysis suggest that the p.His1303Pro variant may impact th e protein, though this information is not predictive enough to determine pathoge nicity. In summary, the clinical significance of the p.His1303Pro variant is unc ertain. ACMG/AMP Criteria applied: PM2, PP3 (Richards 2015).